The following is an entry in ClinVar:

ClinVar aggregate classification (germline): Uncertain significance (1 of 4 stars; one submission).

Allele frequency attached by ClinVar (database versions not stated): gnomAD exomes below 0.00001; gnomAD 0.00001; TOPMed 0.00001.

Submission:

Labcorp Genetics (formerly Invitae), Labcorp
Classification: Uncertain significance. Last evaluated: 2023-08-04. Review status: criteria provided, single submitter. Criteria: Invitae Variant Classification Sherloc (09022015). Collection method: clinical testing. Allele origin: germline.
Comment: An algorithm developed to predict the effect of missense changes on protein structure and function (PolyPhen-2) suggests that this variant is likely to be disruptive. In summary, the available evidence is currently insufficient to determine the role of this variant in disease. Therefore, it has been classified as a Variant of Uncertain Significance. ClinVar contains an entry for this variant (Variation ID: 1994351). This variant has not been reported in the literature in individuals affected with MICAL1-related conditions. This variant is not present in population databases (gnomAD no frequency). This sequence change replaces serine, which is neutral and polar, with phenylalanine, which is neutral and non-polar, at codon 894 of the MICAL1 protein (p.Ser894Phe).

NM_022765.4(MICAL1):c.2624C>T (p.Ser875Phe)

Gene: MICAL1 (microtubule associated monooxygenase, calponin and LIM domain containing 1; minus strand). Cytogenetic location: 6q21.
Variant type: single nucleotide variant.
Coding change: c.2624C>T on transcript NM_022765.4 (MANE Select); coding-DNA position 2624, C replaced by T.
Protein change: p.Ser875Phe; replaces serine 875 with phenylalanine.
Molecular consequence: missense variant.
Genome position (GRCh38, 1-based): chr6:109,445,820, G>A on the plus strand (C>T on the coding strand, the complement: MICAL1 is on the minus strand). VCF-style: chr6-109445820-G-A. GRCh37 (hg19) VCF-style: chr6-109767023-G-A.
Other names: c.2366C>T, p.Ser789Phe (NM_001159291.2); c.2681C>T, p.Ser894Phe (NM_001286613.2); short protein forms S894F, S789F, S875F.
Identifiers: ClinVar variation 1994351 (VCV001994351.4), dbSNP rs967737892, ClinGen allele CA145117087.